The following is an entry in ClinVar:

ClinVar aggregate classification (germline): Uncertain significance (1 of 4 stars; one submission).

Conditions:
Familial cancer of breast. Also called: hereditary breast carcinoma; BREAST CANCER, FAMILIAL; Hereditary breast cancer. Identifiers: Orphanet 227535, MedGen C0346153, MONDO:0016419, OMIM 114480. Disease mechanism: loss of function.
Fanconi anemia complementation group J. Also called: BRIP1-Related Fanconi Anemia. Identifiers: Orphanet 84, MedGen C1836860, MONDO:0012187, OMIM 609054.

Submission:

Labcorp Genetics (formerly Invitae), Labcorp
Classification: Uncertain significance for Familial cancer of breast; Fanconi anemia complementation group J. Last evaluated: 2022-08-09. Review status: criteria provided, single submitter. Criteria: Invitae Variant Classification Sherloc (09022015). Collection method: clinical testing. Allele origin: germline.
Comment: This variant is a gross deletion of the genomic region encompassing exon(s) 9-10 of the BRIP1 gene. This variant would be expected to be in-frame, preserving the integrity of the reading frame. This variant has not been reported in the literature in individuals affected with BRIP1-related conditions. Experimental studies and prediction algorithms are not available or were not evaluated, and the functional significance of this variant is currently unknown. In summary, the available evidence is currently insufficient to determine the role of this variant in disease. Therefore, it has been classified as a Variant of Uncertain Significance.

NC_000017.11:g.(?_61793587)_(61799309_?)del

Gene: BRIP1 (BRCA1 interacting DNA helicase 1; minus strand). Cytogenetic location: 17q23.2.
Variant type: Deletion.
Identifiers: ClinVar variation 640463 (VCV000640463.5).